The following is an entry in ClinVar:

ClinVar aggregate classification (germline): Likely benign. Review status: criteria provided, multiple submitters, no conflicts (2 of 4 stars). 2 submissions from 2 submitters: Likely benign (2). Last evaluated 2024-03-24.

Conditions:
Ehlers-Danlos syndrome, type 4 (EDSVASC). Also called: Ehlers-Danlos syndrome vascular type; Ehlers Danlos syndrome, ecchymotic type; Ehlers Danlos syndrome, arterial type; Ehlers Danlos syndrome, Sack-Barabas type; Ehlers-Danlos Syndrome Type IV. Identifiers: Orphanet 286, MedGen C0268338, MONDO:0017314, OMIM 130050.

Allele frequency attached by ClinVar (database versions not stated): gnomAD exomes below 0.00001; ExAC 0.00001.
gnomAD v4.1: 1 of 1,613,796 alleles (0.000062%); highest among the groups gnomAD compares: Non-Finnish European, 0.000085%; no homozygotes.

Submissions (2):

All of Us Research Program, National Institutes of Health
Classification: Likely benign for Ehlers-Danlos syndrome, type 4. Last evaluated: 2024-03-24. Review status: criteria provided, single submitter. Criteria: ACMG Guidelines, 2015. Collection method: clinical testing. Allele origin: germline. Inheritance: Autosomal dominant inheritance. Observed: 1 variant allele, 1 heterozygote.
Comment: This study involves interpretation of variants in research participants for the purpose of population health screening. Participant phenotype was not available at the time of variant classification. Additional details can be found in publication PMID: 35346344, PMCID: PMC8962531

Labcorp Genetics (formerly Invitae), Labcorp
Classification: Likely benign for Ehlers-Danlos syndrome, type 4. Last evaluated: 2020-03-04. Review status: criteria provided, single submitter. Criteria: Invitae Variant Classification Sherloc (09022015). Collection method: clinical testing. Allele origin: germline.

NM_000090.4(COL3A1):c.2199T>C (p.Gly733=)

Gene: COL3A1 (collagen type III alpha 1 chain; plus strand). Cytogenetic location: 2q32.2.
Variant type: single nucleotide variant.
Coding change: c.2199T>C on transcript NM_000090.4 (MANE Select); coding-DNA position 2199, T replaced by C.
Protein change: p.Gly733=; no amino-acid change (glycine 733 retained).
Molecular consequence: synonymous variant.
Genome position (GRCh38, 1-based): chr2:188,999,547, T>C. VCF-style: chr2-188999547-T-C. GRCh37 (hg19) VCF-style: chr2-189864273-T-C.
Identifiers: ClinVar variation 529332 (VCV000529332.12), dbSNP rs762547633, ClinGen allele CA075062.